The following is an entry in ClinVar:

NM_017617.5(NOTCH1):c.263G>A (p.Ser88Asn)

Gene: NOTCH1 (notch receptor 1; minus strand). Cytogenetic location: 9q34.3.
Variant type: single nucleotide variant.
Coding change: c.263G>A on transcript NM_017617.5 (MANE Select); coding-DNA position 263, G replaced by A.
Protein change: p.Ser88Asn; replaces serine 88 with asparagine.
Molecular consequence: missense variant.
Genome position (GRCh38, 1-based): chr9:136,523,857, C>T on the plus strand (G>A on the coding strand, the complement: NOTCH1 is on the minus strand). VCF-style: chr9-136523857-C-T. GRCh37 (hg19) VCF-style: chr9-139418309-C-T.
Other names: c.263G>A, p.Ser88Asn (LRG_1122t1); c.263G>A (NM_017617.4); short protein forms S88N.
Identifiers: ClinVar variation 376894 (VCV000376894.48), dbSNP rs191357265, ClinGen allele CA5342214.
Genomic context (GRCh38, chr9:136,523,857, plus strand): 5'-GTGAGGCAGGCATTGTCCAGGGGTGTCAGGCAGAGGGGCCCAGAGAAGCCCAGGGCACAG[C>T]TGCAGGCATAGTCTGCCACGCCTCTGCGGTCCACCACGTGGCATGTCCCGGCGTTCTTGC-3'
Protein context (NP_060087.3, residues 78-98): DRRGVADYAC[Ser88Asn]CALGFSGPLC

ClinVar aggregate classification (germline): Benign/Likely benign. Review status: criteria provided, multiple submitters, no conflicts (2 of 4 stars). 12 submissions from 11 submitters: Benign (3); Likely benign (8). 1 of the submissions does not count toward it. Last evaluated 2026-01-28.

Conditions:
NOTCH1-related disorder. Also called: NOTCH1-related disorders; NOTCH1-related condition.
Adams-Oliver syndrome 5 (AOS5). Identifiers: Orphanet 974, MedGen C4014970, MONDO:0014459, OMIM 616028.
Familial thoracic aortic aneurysm and aortic dissection (TAAD). Also called: Thoracic aortic aneurysms and dissections. Identifiers: Orphanet 91387, MedGen C4707243, MONDO:0019625.
Aortic valve disease 1 (AOVD1). Identifiers: MedGen C3887892, MONDO:0024523, OMIM 109730.

Allele frequency attached by ClinVar (database versions not stated): ESP Exome Variant Server 0.00219; 1000 Genomes Project 0.00220; 1000 Genomes Project 30x 0.00250; gnomAD 0.00156; TOPMed 0.00178.

Submissions (12):

Labcorp Genetics (formerly Invitae), Labcorp
Classification: Benign for Adams-Oliver syndrome 5. Last evaluated: 2026-01-28. Review status: criteria provided, single submitter. Criteria: Invitae Variant Classification Sherloc (09022015). Collection method: clinical testing. Allele origin: germline.

CeGaT Center for Human Genetics Tuebingen
Classification: Likely benign. Last evaluated: 2026-01-01. Review status: criteria provided, single submitter. Criteria: CeGaT Center For Human Genetics Tuebingen Variant Classification Criteria Version 2. Collection method: clinical testing. Allele origin: germline. Affected: yes. Observed: 4 variant alleles.
Comment: NOTCH1: BS1

Women's Health and Genetics/Laboratory Corporation of America, LabCorp
Classification: Likely benign. Last evaluated: 2025-01-27. Review status: criteria provided, single submitter. Criteria: LabCorp Variant Classification Summary - May 2015. Collection method: clinical testing. Allele origin: germline.

Blueprint Genetics
Classification: Likely benign. Last evaluated: 2024-10-21. Review status: criteria provided, single submitter. Criteria: ACMG Guidelines, 2015. Collection method: clinical testing. Allele origin: germline.

ARUP Laboratories, Molecular Genetics and Genomics, ARUP Laboratories
Classification: Likely benign. Last evaluated: 2024-07-11. Review status: criteria provided, single submitter. Criteria: ARUP Molecular Germline Variant Investigation Process 2024. Collection method: clinical testing. Allele origin: germline.

Genome-Nilou Lab
Classification: Benign for Adams-Oliver syndrome 5. Last evaluated: 2022-03-15. Review status: criteria provided, single submitter. Criteria: ACMG Guidelines, 2015. Collection method: clinical testing. Allele origin: germline. Affected: no.

Genome-Nilou Lab
Classification: Benign for Aortic valve disease 1. Last evaluated: 2022-03-15. Review status: criteria provided, single submitter. Criteria: ACMG Guidelines, 2015. Collection method: clinical testing. Allele origin: germline. Affected: no.

Fulgent Genetics
Classification: Likely benign for Aortic valve disease 1; Adams-Oliver syndrome 5. Last evaluated: 2021-08-23. Review status: criteria provided, single submitter. Criteria: ACMG Guidelines, 2015. Collection method: clinical testing. Allele origin: unknown.

GeneDx
Classification: Likely benign. Last evaluated: 2020-03-24. Review status: criteria provided, single submitter. Criteria: GeneDx Variant Classification Process June 2021. Collection method: clinical testing. Allele origin: germline. Affected: yes.

Center for Pediatric Genomic Medicine, Children's Mercy Hospital and Clinics
Classification: Likely benign. Last evaluated: 2016-07-22. Review status: criteria provided, single submitter. Criteria: ACMG Guidelines, 2015. Collection method: clinical testing. Allele origin: germline.
ClinVar note: Converted during submission from Likely Benign to Likely benign.

Ambry Genetics
Classification: Likely benign for Familial thoracic aortic aneurysm and aortic dissection. Last evaluated: 2016-06-22. Review status: criteria provided, single submitter. Criteria: Ambry Variant Classification Scheme 2023. Collection method: clinical testing. Allele origin: germline.

PreventionGenetics, part of Exact Sciences
Classification: Benign for NOTCH1-related condition. Last evaluated: 2020-08-28. Review status: no assertion criteria provided. Collection method: clinical testing. Allele origin: germline. Not counted in ClinVar's aggregate classification.
Comment: This variant is classified as benign based on ACMG/AMP sequence variant interpretation guidelines (Richards et al. 2015 PMID: 25741868, with internal and published modifications).

Literature cited by the submitters: PubMed 24943832 (cited by Women's Health and Genetics/Laboratory Corporation of America, LabCorp); PubMed 16614245 (cited by Women's Health and Genetics/Laboratory Corporation of America, LabCorp); PubMed 21670202 (cited by Women's Health and Genetics/Laboratory Corporation of America, LabCorp); PubMed 22210878 (cited by Women's Health and Genetics/Laboratory Corporation of America, LabCorp); PubMed 19635999 (cited by Women's Health and Genetics/Laboratory Corporation of America, LabCorp); PubMed 26837699 (cited by Women's Health and Genetics/Laboratory Corporation of America, LabCorp); PubMed 23086750 (cited by Women's Health and Genetics/Laboratory Corporation of America, LabCorp); PubMed 19245433 (cited by Women's Health and Genetics/Laboratory Corporation of America, LabCorp); PubMed 22077063 (cited by Women's Health and Genetics/Laboratory Corporation of America, LabCorp); PubMed 15472075 (cited by Women's Health and Genetics/Laboratory Corporation of America, LabCorp); PubMed 23734977 (cited by Women's Health and Genetics/Laboratory Corporation of America, LabCorp); PubMed 22858860 (cited by Women's Health and Genetics/Laboratory Corporation of America, LabCorp).